The following is an entry in ClinVar:

NM_130797.4(DPP6):c.243+5629A>G

Genes: DPP6 (dipeptidyl peptidase like 6; plus strand), LOC101929998 (uncharacterized LOC101929998; minus strand). Cytogenetic location: 7q36.2.
Variant type: single nucleotide variant.
Coding change: c.243+5629A>G on transcript NM_130797.4 (MANE Select); 5629 bases into the intron after coding-DNA position 243, A replaced by G.
Molecular consequence: intron variant.
Genome position (GRCh38, 1-based): chr7:154,058,692, A>G. VCF-style: chr7-154058692-A-G. GRCh37 (hg19) VCF-style: chr7-153755777-A-G.
Other names: c.60+309684A>G (NM_001364500.2, NM_001364499.2, NM_001364497.2 and 1 more transcripts); c.51+170958A>G (NM_001364501.2, NM_001039350.3); c.243+5629A>G (NM_001290253.2).
Identifiers: ClinVar variation 2658251 (VCV002658251.24), dbSNP rs556490588, ClinGen allele CA169635735.

ClinVar aggregate classification (germline): Benign (1 of 4 stars; one submission).

Allele frequency attached by ClinVar (database versions not stated): TOPMed 0.00136; 1000 Genomes Project 0.00160; 1000 Genomes Project 30x 0.00250.
gnomAD v4.1: 214 of 149,612 alleles (0.14%); highest among the groups gnomAD compares: African/African-American, 0.51%; 7 homozygotes.

Submission:

CeGaT Center for Human Genetics Tuebingen
Classification: Benign. Last evaluated: 2022-03-01. Review status: criteria provided, single submitter. Criteria: CeGaT Center For Human Genetics Tuebingen Variant Classification Criteria Version 2. Collection method: clinical testing. Allele origin: germline. Affected: yes. Observed: 1 variant allele.
Comment: DPP6: BS1, BS2